The following is an entry in ClinVar:

ClinVar aggregate classification (germline): Uncertain significance. Review status: criteria provided, multiple submitters, no conflicts (2 of 4 stars). 2 submissions from 2 submitters: Uncertain significance (2). Last evaluated 2025-04-07.

Conditions:
Inborn genetic diseases. Identifiers: MedGen C0950123, MeSH D030342.
Nemaline myopathy 6 (NEM6). Also called: Nemaline myopathy 6, autosomal dominant. Identifiers: Orphanet 171439, MedGen C1836472, MONDO:0012237, OMIM 609273.

Submissions (2):

Ambry Genetics
Classification: Uncertain significance for Inborn genetic diseases. Last evaluated: 2025-04-07. Review status: criteria provided, single submitter. Criteria: Ambry Variant Classification Scheme 2023. Collection method: clinical testing. Allele origin: germline.

Labcorp Genetics (formerly Invitae), Labcorp
Classification: Uncertain significance for Nemaline myopathy 6. Last evaluated: 2022-07-01. Review status: criteria provided, single submitter. Criteria: Invitae Variant Classification Sherloc (09022015). Collection method: clinical testing. Allele origin: germline.
Comment: In summary, the available evidence is currently insufficient to determine the role of this variant in disease. Therefore, it has been classified as a Variant of Uncertain Significance. Algorithms developed to predict the effect of missense changes on protein structure and function output the following: SIFT: "Tolerated"; PolyPhen-2: "Benign"; Align-GVGD: "Class C0". The threonine amino acid residue is found in multiple mammalian species, which suggests that this missense change does not adversely affect protein function. ClinVar contains an entry for this variant (Variation ID: 1514693). This variant has not been reported in the literature in individuals affected with KBTBD13-related conditions. The frequency data for this variant in the population databases is considered unreliable, as metrics indicate poor data quality at this position in the gnomAD database. This sequence change replaces alanine, which is neutral and non-polar, with threonine, which is neutral and polar, at codon 324 of the KBTBD13 protein (p.Ala324Thr).

NM_001101362.3(KBTBD13):c.970G>A (p.Ala324Thr)

Gene: KBTBD13 (kelch repeat and BTB domain containing 13; plus strand). Cytogenetic location: 15q22.31.
Variant type: single nucleotide variant.
Coding change: c.970G>A on transcript NM_001101362.3 (MANE Select); coding-DNA position 970, G replaced by A.
Protein change: p.Ala324Thr; replaces alanine 324 with threonine.
Molecular consequence: missense variant.
Genome position (GRCh38, 1-based): chr15:65,077,785, G>A. VCF-style: chr15-65077785-G-A. GRCh37 (hg19) VCF-style: chr15-65370123-G-A.
Other names: c.970G>A (NM_001101362.2); short protein forms A324T.
Identifiers: ClinVar variation 1514693 (VCV001514693.9), dbSNP rs1216341966, ClinGen allele CA392864790.